The following is an entry in ClinVar:

NM_000046.5(ARSB):c.1208C>T (p.Ser403Leu)

Gene: ARSB (arylsulfatase B; minus strand). Cytogenetic location: 5q14.1.
Variant type: single nucleotide variant.
Coding change: c.1208C>T on transcript NM_000046.5 (MANE Select); coding-DNA position 1208, C replaced by T.
Protein change: p.Ser403Leu; replaces serine 403 with leucine.
Molecular consequence: missense variant.
Genome position (GRCh38, 1-based): chr5:78,839,361, G>A on the plus strand (C>T on the coding strand, the complement: ARSB is on the minus strand). VCF-style: chr5-78839361-G-A. GRCh37 (hg19) VCF-style: chr5-78135184-G-A.
Other names: c.1208C>T, p.Ser403Leu (NM_198709.3); short protein forms S403L.
Identifiers: ClinVar variation 2159622 (VCV002159622.2), dbSNP rs771296632, ClinGen allele CA3318083.

ClinVar aggregate classification (germline): Uncertain significance. Review status: criteria provided, multiple submitters, no conflicts (2 of 4 stars). 2 submissions from 2 submitters: Uncertain significance (2). Last evaluated 2021-10-27.

Conditions:
Mucopolysaccharidosis type 6 (MPS6). Also called: MPS VI; ARSB DEFICIENCY; ARYLSULFATASE B DEFICIENCY; MPS 6; Maroteaux Lamy syndrome; N-ACETYLGALACTOSAMINE-4-SULFATASE DEFICIENCY. Identifiers: Orphanet 583, MedGen C0026709, MONDO:0009661, OMIM 253200.

Allele frequency attached by ClinVar (database versions not stated): TOPMed below 0.00001; gnomAD exomes 0.00001; ExAC 0.00003.
gnomAD v4.1: 19 of 1,613,650 alleles (0.0012%); highest among the groups gnomAD compares: South Asian, 0.0099%; no homozygotes.

Submissions (2):

Labcorp Genetics (formerly Invitae), Labcorp
Classification: Uncertain significance for Mucopolysaccharidosis type 6. Last evaluated: 2021-10-27. Review status: criteria provided, single submitter. Criteria: Invitae Variant Classification Sherloc (09022015). Collection method: clinical testing. Allele origin: germline.
Comment: This sequence change replaces serine, a(n) neutral and polar amino acid, with leucine, a(n) neutral and non-polar amino acid, at codon 403 of the ARSB protein (p.Ser403Leu). This variant is present in population databases (rs771296632, gnomAD 0.01%). This variant has not been reported in the literature in individuals affected with ARSB-related conditions. Advanced modeling of protein sequence and biophysical properties (such as structural, functional, and spatial information, amino acid conservation, physicochemical variation, residue mobility, and thermodynamic stability) performed at Invitae indicates that this missense variant is not expected to disrupt ARSB protein function. In summary, the available evidence is currently insufficient to determine the role of this variant in disease. Therefore, it has been classified as a Variant of Uncertain Significance.

Neuberg Centre For Genomic Medicine, NCGM
Classification: Uncertain significance for Mucopolysaccharidosis type 6. Review status: criteria provided, single submitter. Criteria: ACMG Guidelines, 2015. Collection method: clinical testing. Allele origin: germline. Affected: yes.
Comment: The observed missense variant c.1208C>Tp.Ser403Leu in the ARSB gene has not been reported previously as a pathogenic variant nor as a benign variant, to our knowledge. This variant is reported with the allele frequency 0.001% in the gnomAD Exomes. This variant has been reported to the ClinVar database as Uncertain Significance. However, no details are available for independent assessment. The amino acid Ser at position 403 is changed to a Leu changing protein sequence and it might alter its composition and physico- chemical properties. Multiple lines of computational evidence Polyphen - Benign, SIFT - Tolerated and MutationTaster - Polymorphism predict no damaging effect on protein structure and function for this variant. The residue is conserved by GERP++ and PhyloP across 100 vertebrates. For these reasons, this variant has been classified as Uncertain Significance.